The following is an entry in ClinVar:

ClinVar aggregate classification (germline): Uncertain significance (1 of 4 stars; one submission).

Submission:

Labcorp Genetics (formerly Invitae), Labcorp
Classification: Uncertain significance. Last evaluated: 2022-09-10. Review status: criteria provided, single submitter. Criteria: Invitae Variant Classification Sherloc (09022015). Collection method: clinical testing. Allele origin: germline.
Comment: In summary, the available evidence is currently insufficient to determine the role of this variant in disease. Therefore, it has been classified as a Variant of Uncertain Significance. Advanced modeling of protein sequence and biophysical properties (such as structural, functional, and spatial information, amino acid conservation, physicochemical variation, residue mobility, and thermodynamic stability) performed at Invitae indicates that this missense variant is not expected to disrupt ALPK1 protein function. This sequence change replaces lysine, which is basic and polar, with glutamic acid, which is acidic and polar, at codon 81 of the ALPK1 protein (p.Lys81Glu). This variant is not present in population databases (gnomAD no frequency). This variant has not been reported in the literature in individuals affected with ALPK1-related conditions.

NM_025144.4(ALPK1):c.241A>G (p.Lys81Glu)

Gene: ALPK1 (alpha kinase 1; plus strand). Cytogenetic location: 4q25.
Variant type: single nucleotide variant.
Coding change: c.241A>G on transcript NM_025144.4 (MANE Select); coding-DNA position 241, A replaced by G.
Protein change: p.Lys81Glu; replaces lysine 81 with glutamic acid.
Molecular consequence: missense variant. On other transcripts: intron variant (1).
Genome position (GRCh38, 1-based): chr4:112,382,517, A>G. VCF-style: chr4-112382517-A-G. GRCh37 (hg19) VCF-style: chr4-113303673-A-G.
Other names: c.241A>G, p.Lys81Glu (NM_001102406.2); c.42+4619A>G (NM_001253884.2); short protein forms K81E.
Identifiers: ClinVar variation 1919872 (VCV001919872.5), dbSNP rs2476402083, ClinGen allele CA357988644.